The following is an entry in ClinVar:

NM_001164277.2(SLC37A4):c.894C>A (p.Asn298Lys)

Gene: SLC37A4 (solute carrier family 37 member 4; minus strand). Cytogenetic location: 11q23.3.
Variant type: single nucleotide variant.
Coding change: c.894C>A on transcript NM_001164277.2 (MANE Select); coding-DNA position 894, C replaced by A.
Protein change: p.Asn298Lys; replaces asparagine 298 with lysine.
Molecular consequence: missense variant.
Genome position (GRCh38, 1-based): chr11:119,026,057, G>T on the plus strand (C>A on the coding strand, the complement: SLC37A4 is on the minus strand). VCF-style: chr11-119026057-G-T. GRCh37 (hg19) VCF-style: chr11-118896767-G-T.
Other names: c.894C>A, p.Asn298Lys (NM_001164278.2, NM_001164280.2, NM_001467.6); c.675C>A, p.Asn225Lys (NM_001164279.2); short protein forms N298K, N225K.
Identifiers: ClinVar variation 1765207 (VCV001765207.7), dbSNP rs1157235027, ClinGen allele CA382898027.

ClinVar aggregate classification (germline): Uncertain significance. Review status: criteria provided, multiple submitters, no conflicts (2 of 4 stars). 2 submissions from 2 submitters: Uncertain significance (2). Last evaluated 2023-12-15.

Conditions:
Glucose-6-phosphate transport defect (GSD1B). Also called: Glycogen Storage Disease Type Ib; GSD Ib. Identifiers: Orphanet 364, Orphanet 79259, MedGen C0268146, MONDO:0009288, OMIM 232220.
Inborn genetic diseases. Identifiers: MedGen C0950123, MeSH D030342.

Allele frequency attached by ClinVar (database versions not stated): gnomAD exomes below 0.00001.

Submissions (2):

Labcorp Genetics (formerly Invitae), Labcorp
Classification: Uncertain significance for Glucose-6-phosphate transport defect. Last evaluated: 2023-12-15. Review status: criteria provided, single submitter. Criteria: Invitae Variant Classification Sherloc (09022015). Collection method: clinical testing. Allele origin: germline.
Comment: This sequence change replaces asparagine, which is neutral and polar, with lysine, which is basic and polar, at codon 298 of the SLC37A4 protein (p.Asn298Lys). This variant is not present in population databases (gnomAD no frequency). This variant has not been reported in the literature in individuals affected with SLC37A4-related conditions. ClinVar contains an entry for this variant (Variation ID: 1765207). Advanced modeling of protein sequence and biophysical properties (such as structural, functional, and spatial information, amino acid conservation, physicochemical variation, residue mobility, and thermodynamic stability) has been performed at Invitae for this missense variant, however the output from this modeling did not meet the statistical confidence thresholds required to predict the impact of this variant on SLC37A4 protein function. In summary, the available evidence is currently insufficient to determine the role of this variant in disease. Therefore, it has been classified as a Variant of Uncertain Significance.

Ambry Genetics
Classification: Uncertain significance for Inborn genetic diseases. Last evaluated: 2022-02-10. Review status: criteria provided, single submitter. Criteria: Ambry Variant Classification Scheme 2023. Collection method: clinical testing. Allele origin: germline.
Comment: The p.N298K variant (also known as c.894C>A), located in coding exon 6 of the SLC37A4 gene, results from a C to A substitution at nucleotide position 894. The asparagine at codon 298 is replaced by lysine, an amino acid with similar properties. This amino acid position is conserved. In addition, this alteration is predicted to be tolerated by in silico analysis. Since supporting evidence is limited at this time, the clinical significance of this alteration remains unclear.